The following is an entry in ClinVar:

NM_001042492.3(NF1):c.3733A>T (p.Thr1245Ser)

Gene: NF1 (neurofibromin 1; plus strand). Cytogenetic location: 17q11.2.
Variant type: single nucleotide variant.
Coding change: c.3733A>T on transcript NM_001042492.3 (MANE Select); coding-DNA position 3733, A replaced by T.
Protein change: p.Thr1245Ser; replaces threonine 1245 with serine.
Molecular consequence: missense variant.
Genome position (GRCh38, 1-based): chr17:31,235,635, A>T. VCF-style: chr17-31235635-A-T. GRCh37 (hg19) VCF-style: chr17-29562653-A-T.
Other names: c.3733A>T, p.Thr1245Ser (NM_000267.4); short protein forms T1245S.
Identifiers: ClinVar variation 187288 (VCV000187288.7), dbSNP rs786203616, ClinGen allele CA197252.
Genomic context (GRCh38, chr17:31,235,635, plus strand): 5'-ATTGTTTGCACTAACCTGATTTTGTTTTGTTCTCAGGATGAACTAGCTCGAGTTCTGGTT[A>T]CTCTGTTTGATTCTCGGCATTTACTCTACCAACTGCTCTGGAACATGTTTTCTAAAGAAG-3'
Protein context (NP_001035957.1, residues 1235-1255): QWDELARVLV[Thr1245Ser]LFDSRHLLYQ

ClinVar aggregate classification (germline): Uncertain significance. Review status: criteria provided, multiple submitters, no conflicts (2 of 4 stars). 3 submissions from 2 submitters: Uncertain significance (3). Last evaluated 2023-12-10.

Conditions:
Hereditary cancer-predisposing syndrome. Also called: Hereditary Cancer Syndrome; Neoplastic Syndromes, Hereditary; Tumor predisposition; Hereditary neoplastic syndrome. Identifiers: Orphanet 140162, MedGen C0027672, MeSH D009386, MONDO:0015356.
Cardiovascular phenotype. Identifiers: MedGen CN230736.
Neurofibromatosis, type 1 (NF1). Also called: NEUROFIBROMATOSIS, TYPE I, SOMATIC; VON RECKLINGHAUSEN DISEASE; Peripheral type neurofibromatosis; Neurofibromatosis, type I. Identifiers: Orphanet 636, MedGen C0027831, MONDO:0018975, OMIM 162200. Disease mechanism: loss of function.

Submissions (3):

Labcorp Genetics (formerly Invitae), Labcorp
Classification: Uncertain significance for Neurofibromatosis, type 1. Last evaluated: 2023-12-10. Review status: criteria provided, single submitter. Criteria: Invitae Variant Classification Sherloc (09022015). Collection method: clinical testing. Allele origin: germline.
Comment: This sequence change replaces threonine, which is neutral and polar, with serine, which is neutral and polar, at codon 1245 of the NF1 protein (p.Thr1245Ser). This variant is not present in population databases (gnomAD no frequency). This missense change has been observed in individual(s) with clinical features of NF1-related condition (PMID: 32575496). ClinVar contains an entry for this variant (Variation ID: 187288). Advanced modeling of protein sequence and biophysical properties (such as structural, functional, and spatial information, amino acid conservation, physicochemical variation, residue mobility, and thermodynamic stability) performed at Invitae indicates that this missense variant is expected to disrupt NF1 protein function with a positive predictive value of 95%. In summary, the available evidence is currently insufficient to determine the role of this variant in disease. Therefore, it has been classified as a Variant of Uncertain Significance.

Ambry Genetics
Classification: Uncertain significance for Cardiovascular phenotype; Hereditary cancer-predisposing syndrome. Last evaluated: 2016-11-02. Review status: criteria provided, single submitter. Criteria: Ambry Variant Classification Scheme 2023. Collection method: clinical testing. Allele origin: germline.

Ambry Genetics
Classification: Uncertain significance for Hereditary cancer-predisposing syndrome. Last evaluated: 2014-12-01. Review status: criteria provided, single submitter. Criteria: Ambry Autosomal Dominant and X-Linked criteria (10/2015). Collection method: clinical testing. Allele origin: germline. Observed: 1 variant allele.
Comment: The p.T1245S variant (also known as c.3733A>T), located in coding exon 28 of the NF1 gene, results from an A to T substitution at nucleotide position 3733. The threonine at codon 1245 is replaced by serine, an amino acid with similar properties. This variant was not reported in population based cohorts in the following databases: Database of Single Nucleotide Polymorphisms (dbSNP), NHLBI Exome Sequencing Project (ESP), and 1000 Genomes Project. In the ESP, this variant was not observed in 6503 samples (13006 alleles) with coverage at this position. To date, this alteration has been detected with an allele frequency of approximately 0.01% (greater than 11000 alleles tested) in our clinical cohort. This amino acid position is highly conserved in available vertebrate species. In addition, the in silico prediction for this alteration is inconclusive. Since supporting evidence is limited at this time, the clinical significance of p.T1245S remains unclear.

Literature cited by the submitters: PubMed 32575496 (cited by Labcorp Genetics (formerly Invitae), Labcorp).